The following is an entry in ClinVar:

NM_004924.6(ACTN4):c.1692+10C>G

Gene: ACTN4 (actinin alpha 4; plus strand). Cytogenetic location: 19q13.2.
Variant type: single nucleotide variant.
Coding change: c.1692+10C>G on transcript NM_004924.6 (MANE Select); 10 bases into the intron after coding-DNA position 1692, C replaced by G.
Molecular consequence: intron variant.
Genome position (GRCh38, 1-based): chr19:38,724,087, C>G. VCF-style: chr19-38724087-C-G. GRCh37 (hg19) VCF-style: chr19-39214727-C-G.
Other names: p.?; c.1692+10C>G (NM_001322033.2).
Identifiers: ClinVar variation 259569 (VCV000259569.15), dbSNP rs199619802, ClinGen allele CA9417740.
Genomic context (GRCh38, chr19:38,724,087, plus strand): 5'-ATGGAGGACCTCCAGGACATGTTCATCGTCCATACCATCGAGGAGATTGAGGTTCGCACC[C>G]CCCGGCCCCCCATCTTCCCAAGAGCCTCTGTGGGGCTGGGCCGCCCCCTCACTCCAGCTC-3'

ClinVar aggregate classification (germline): Benign/Likely benign. Review status: criteria provided, multiple submitters, no conflicts (2 of 4 stars). 5 submissions from 5 submitters: Benign (2); Likely benign (3). Last evaluated 2026-01-15.

Conditions:
Focal segmental glomerulosclerosis 1 (FSGS1). Identifiers: Orphanet 656, MedGen C4551527, MONDO:0011303, OMIM 603278.

Allele frequency attached by ClinVar (database versions not stated): 1000 Genomes Project 0.00040; 1000 Genomes Project 30x 0.00078; ExAC 0.00229; gnomAD exomes 0.00231; gnomAD 0.00275 and 0.00300; TOPMed 0.00277; ESP Exome Variant Server 0.00284.
gnomAD v4.1: 6,344 of 1,613,630 alleles (0.39%); highest among the groups gnomAD compares: Non-Finnish European, 0.51%; 21 homozygotes.

Submissions (5):

Labcorp Genetics (formerly Invitae), Labcorp
Classification: Benign. Last evaluated: 2026-01-15. Review status: criteria provided, single submitter. Criteria: Invitae Variant Classification Sherloc (09022015). Collection method: clinical testing. Allele origin: germline.

Mayo Clinic Laboratories, Mayo Clinic
Classification: Likely benign. Last evaluated: 2025-08-12. Review status: criteria provided, single submitter. Criteria: ACMG Guidelines, 2015. Collection method: clinical testing. Allele origin: germline. Observed: 1 variant allele.
Comment: BS1, BP4, BP7

Blueprint Genetics
Classification: Likely benign. Last evaluated: 2024-11-28. Review status: criteria provided, single submitter. Criteria: ACMG Guidelines, 2015. Collection method: clinical testing. Allele origin: germline.

Genome-Nilou Lab
Classification: Benign for Focal segmental glomerulosclerosis 1. Last evaluated: 2021-12-05. Review status: criteria provided, single submitter. Criteria: ACMG Guidelines, 2015. Collection method: clinical testing. Allele origin: germline. Affected: no.

PreventionGenetics, part of Exact Sciences
Classification: Likely benign. Review status: criteria provided, single submitter. Criteria: ACMG Guidelines, 2015. Collection method: clinical testing. Allele origin: germline.